The following is an entry in ClinVar:

ClinVar aggregate classification (germline): Likely pathogenic (1 of 4 stars; one submission).

Conditions:
Kabuki syndrome. Also called: NIIKAWA-KUROKI SYNDROME; Kabuki make-up syndrome. Identifiers: Orphanet 2322, MedGen C0796004, MONDO:0016512.

Submission:

Labcorp Genetics (formerly Invitae), Labcorp
Classification: Likely pathogenic for Kabuki syndrome. Last evaluated: 2023-01-30. Review status: criteria provided, single submitter. Criteria: Invitae Variant Classification Sherloc (09022015). Collection method: clinical testing. Allele origin: germline.
Comment: In summary, the currently available evidence indicates that the variant is pathogenic, but additional data are needed to prove that conclusively. Therefore, this variant has been classified as Likely Pathogenic. Algorithms developed to predict the effect of sequence changes on RNA splicing suggest that this variant may disrupt the consensus splice site. This variant has not been reported in the literature in individuals affected with KMT2D-related conditions. This variant is not present in population databases (gnomAD no frequency). This sequence change affects an acceptor splice site in intron 49 of the KMT2D gene. It is expected to disrupt RNA splicing. Variants that disrupt the donor or acceptor splice site typically lead to a loss of protein function (PMID: 16199547), and loss-of-function variants in KMT2D are known to be pathogenic (PMID: 22126750).

Literature cited by the submitters: PubMed 16199547; PubMed 22126750.

NM_003482.4(KMT2D):c.15922-1G>A

Gene: KMT2D (lysine methyltransferase 2D; minus strand). Cytogenetic location: 12q13.12.
Variant type: single nucleotide variant.
Coding change: c.15922-1G>A on transcript NM_003482.4 (MANE Select); the canonical splice acceptor site of the intron before coding-DNA position 15922, G replaced by A.
Molecular consequence: splice acceptor variant.
Genome position (GRCh38, 1-based): chr12:49,024,709, C>T on the plus strand (G>A on the coding strand, the complement: KMT2D is on the minus strand). VCF-style: chr12-49024709-C-T. GRCh37 (hg19) VCF-style: chr12-49418492-C-T.
Identifiers: ClinVar variation 2958325 (VCV002958325.3), dbSNP rs2137710783, ClinGen allele CA384682296.
Genomic context (GRCh38, chr12:49,024,709, plus strand): 5'-CATAAGGGGGTGGCGCCCATAGCGGAATAAATAGTTTTGACAGCTCTCCACCCCGGGCAG[C>T]TGTGGGCACAGTTCATACTCACCTTAGCCTGAGTTTTTTTGGGGTTAGGCCAAAGTTCTC-3'